The following is an entry in ClinVar:

ClinVar aggregate classification (germline): Likely benign. Review status: criteria provided, single submitter (1 of 4 stars). 2 submissions from 2 submitters: Likely benign (1). 1 of the submissions does not count toward it. Last evaluated 2023-11-10.

Conditions:
VPS13B-related disorder. Also called: VPS13B-related condition.
Cohen syndrome (COH1). Also called: Cutis verticis gyrata, retinitis pigmentosa, and sensorineural deafness; PEPPER SYNDROME. Identifiers: Orphanet 193, MedGen C0265223, MONDO:0008999, OMIM 216550.

Allele frequency attached by ClinVar (database versions not stated): gnomAD exomes below 0.00001; TOPMed below 0.00001; ExAC 0.00001; gnomAD 0.00001.
gnomAD v4.1: 3 of 1,611,702 alleles (0.00019%); highest among the groups gnomAD compares: Admixed American, 0.0017%; no homozygotes.

Submissions (2):

Labcorp Genetics (formerly Invitae), Labcorp
Classification: Likely benign for Cohen syndrome. Last evaluated: 2023-11-10. Review status: criteria provided, single submitter. Criteria: Invitae Variant Classification Sherloc (09022015). Collection method: clinical testing. Allele origin: germline.

PreventionGenetics, part of Exact Sciences
Classification: Likely benign for VPS13B-related condition. Last evaluated: 2022-10-21. Review status: no assertion criteria provided. Collection method: clinical testing. Allele origin: germline. Not counted in ClinVar's aggregate classification.
Comment: This variant is classified as likely benign based on ACMG/AMP sequence variant interpretation guidelines (Richards et al. 2015 PMID: 25741868, with internal and published modifications).

NM_152564.5(VPS13B):c.2700C>T (p.Asp900=)

Gene: VPS13B (vacuolar protein sorting 13 homolog B; plus strand). Cytogenetic location: 8q22.2.
Variant type: single nucleotide variant.
Coding change: c.2700C>T on transcript NM_152564.5 (MANE Select); coding-DNA position 2700, C replaced by T.
Protein change: p.Asp900=; no amino-acid change (aspartic acid 900 retained).
Molecular consequence: synonymous variant.
Genome position (GRCh38, 1-based): chr8:99,275,130, C>T. VCF-style: chr8-99275130-C-T. GRCh37 (hg19) VCF-style: chr8-100287358-C-T.
Other names: c.2700C>T, p.Asp900= (NM_017890.5); c.2700C>T (NM_152564.4).
Identifiers: ClinVar variation 1114284 (VCV001114284.10), dbSNP rs765522219, ClinGen allele CA4823007.